The following is an entry in ClinVar:

ClinVar aggregate classification (germline): Uncertain significance. Review status: criteria provided, multiple submitters, no conflicts (2 of 4 stars). 5 submissions from 4 submitters: Uncertain significance (5). Last evaluated 2025-12-15.

Conditions:
Familial cancer of breast. Also called: hereditary breast carcinoma; BREAST CANCER, FAMILIAL; Hereditary breast cancer. Identifiers: Orphanet 227535, MedGen C0346153, MONDO:0016419, OMIM 114480. Disease mechanism: loss of function.
Fanconi anemia complementation group J. Also called: BRIP1-Related Fanconi Anemia. Identifiers: Orphanet 84, MedGen C1836860, MONDO:0012187, OMIM 609054.
Hereditary cancer-predisposing syndrome. Also called: Hereditary Cancer Syndrome; Hereditary neoplastic syndrome; Neoplastic Syndromes, Hereditary; Tumor predisposition. Identifiers: Orphanet 140162, MedGen C0027672, MeSH D009386, MONDO:0015356.

Allele frequency attached by ClinVar (database versions not stated): gnomAD exomes below 0.00001.
gnomAD v4.1: 1 of 1,613,854 alleles (0.000062%); highest among the groups gnomAD compares: Non-Finnish European, 0.000085%; no homozygotes.

Submissions (5):

Color Diagnostics, LLC DBA Color Health
Classification: Uncertain significance for Hereditary cancer-predisposing syndrome. Last evaluated: 2025-12-15. Review status: criteria provided, single submitter. Criteria: ACMG Guidelines, 2015. Collection method: clinical testing. Allele origin: germline.
Comment: This missense variant replaces isoleucine with leucine at codon 724 of the BRIP1 protein. Computational prediction suggests that this variant may not impact protein structure and function. To our knowledge, functional studies have not been reported for this variant. This variant has not been reported in individuals affected with BRIP1-related disorders in the literature. This variant has not been identified in the general population by the Genome Aggregation Database (gnomAD). The available evidence is insufficient to determine the role of this variant in disease conclusively. Therefore, this variant is classified as a Variant of Uncertain Significance.

Labcorp Genetics (formerly Invitae), Labcorp
Classification: Uncertain significance for Familial cancer of breast; Fanconi anemia complementation group J. Last evaluated: 2025-11-23. Review status: criteria provided, single submitter. Criteria: Invitae Variant Classification Sherloc (09022015). Collection method: clinical testing. Allele origin: germline.
Comment: This sequence change replaces isoleucine, which is neutral and non-polar, with leucine, which is neutral and non-polar, at codon 724 of the BRIP1 protein (p.Ile724Leu). This variant is not present in population databases (gnomAD no frequency). This variant has not been reported in the literature in individuals affected with BRIP1-related conditions. ClinVar contains an entry for this variant (Variation ID: 921864). Invitae Evidence Modeling of protein sequence and biophysical properties (such as structural, functional, and spatial information, amino acid conservation, physicochemical variation, residue mobility, and thermodynamic stability) indicates that this missense variant is not expected to disrupt BRIP1 protein function with a negative predictive value of 95%. In summary, the available evidence is currently insufficient to determine the role of this variant in disease. Therefore, it has been classified as a Variant of Uncertain Significance.

St. Jude Molecular Pathology, St. Jude Children's Research Hospital
Classification: Uncertain significance for Familial cancer of breast. Last evaluated: 2025-06-17. Review status: criteria provided, single submitter. Criteria: St. Jude Assertion Criteria 2020. Collection method: clinical testing. Allele origin: germline.
Comment: The BRIP1 c.2170A>C p.(Ile724Leu) missense change is absent in gnomAD v2.1.1. The in silico tool REVEL is inconclusive about a pathogenic or benign effect of this variant on protein function, and to our knowledge functional studies have not been performed. To our knowledge, this variant has not been reported in individuals with hereditary breast and ovarian cancer or Fanconi anemia. In summary, the evidence currently available is insufficient to determine the role of this variant in disease. It has therefore been classified as of uncertain significance.

Ambry Genetics
Classification: Uncertain significance for Hereditary cancer-predisposing syndrome. Last evaluated: 2024-02-10. Review status: criteria provided, single submitter. Criteria: Ambry Variant Classification Scheme 2023. Collection method: clinical testing. Allele origin: germline.
Comment: The p.I724L variant (also known as c.2170A>C), located in coding exon 14 of the BRIP1 gene, results from an A to C substitution at nucleotide position 2170. The isoleucine at codon 724 is replaced by leucine, an amino acid with highly similar properties. This amino acid position is highly conserved in available vertebrate species. In addition, the in silico prediction for this alteration is inconclusive. Since supporting evidence is limited at this time, the clinical significance of this alteration remains unclear.

St. Jude Molecular Pathology, St. Jude Children's Research Hospital
Classification: Uncertain significance for Fanconi anemia complementation group J. Last evaluated: 2022-07-26. Review status: criteria provided, single submitter. Criteria: St. Jude Assertion Criteria 2020. Collection method: clinical testing. Allele origin: germline.
Comment: The BRIP1 c.2170A>C (p.Ile724Leu) missense change is absent in gnomAD v2.1.1. The in silico tool REVEL is inconclusive about a pathogenic or benign effect of this variant on protein function, and to our knowledge functional studies have not been performed. To our knowledge, this variant has not been reported in individuals with hereditary breast and ovarian cancer or Fanconi anemia. In summary, the evidence currently available is insufficient to determine the role of this variant in disease. It has therefore been classified as of uncertain significance.

NM_032043.3(BRIP1):c.2170A>C (p.Ile724Leu)

Gene: BRIP1 (BRCA1 interacting DNA helicase 1; minus strand). Cytogenetic location: 17q23.2.
Variant type: single nucleotide variant.
Coding change: c.2170A>C on transcript NM_032043.3 (MANE Select); coding-DNA position 2170, A replaced by C.
Protein change: p.Ile724Leu; replaces isoleucine 724 with leucine.
Molecular consequence: missense variant.
Genome position (GRCh38, 1-based): chr17:61,744,519, T>G on the plus strand (A>C on the coding strand, the complement: BRIP1 is on the minus strand). VCF-style: chr17-61744519-T-G. GRCh37 (hg19) VCF-style: chr17-59821880-T-G.
Other names: short protein forms I724L.
Identifiers: ClinVar variation 921864 (VCV000921864.20), dbSNP rs2077032430, ClinGen allele CA400483117.